The following is an entry in ClinVar:

ClinVar aggregate classification (germline): Pathogenic/Likely pathogenic. Review status: criteria provided, multiple submitters, no conflicts (2 of 4 stars). 2 submissions from 2 submitters: Pathogenic (1); Likely pathogenic (1). Last evaluated 2024-09-10.

Conditions:
DDC-related disorder. Also called: DDC-related condition.
Deficiency of aromatic-L-amino-acid decarboxylase. Also called: AADC DEFICIENCY; DDC DEFICIENCY; DOPA DECARBOXYLASE DEFICIENCY; Aromatic amino acid decarboxylase deficiency; Aromatic L-Amino Acid Decarboxylase Deficiency. Identifiers: Orphanet 35708, MedGen C1291564, MONDO:0012084, OMIM 608643.

Allele frequency attached by ClinVar (database versions not stated): gnomAD 0.00001; TOPMed 0.00001.
gnomAD v4.1: 4 of 1,614,042 alleles (0.00025%); highest among the groups gnomAD compares: African/African-American, 0.0013%; no homozygotes.

Submissions (2):

Blueprint Genetics
Classification: Likely pathogenic for DDC-related disorders. Last evaluated: 2024-09-10. Review status: criteria provided, single submitter. Criteria: ACMG Guidelines, 2015. Collection method: clinical testing. Allele origin: germline. Affected: yes. Observed: 3 variant alleles.

Labcorp Genetics (formerly Invitae), Labcorp
Classification: Pathogenic for Deficiency of aromatic-L-amino-acid decarboxylase. Last evaluated: 2024-05-20. Review status: criteria provided, single submitter. Criteria: Invitae Variant Classification Sherloc (09022015). Collection method: clinical testing. Allele origin: germline.
Comment: This sequence change replaces arginine, which is basic and polar, with tryptophan, which is neutral and slightly polar, at codon 160 of the DDC protein (p.Arg160Trp). This variant is not present in population databases (gnomAD no frequency). This missense change has been observed in individual(s) with aromatic L-amino acid decarboxylase deficiency (PMID: 23430870). In at least one individual the data is consistent with being in trans (on the opposite chromosome) from a pathogenic variant. ClinVar contains an entry for this variant (Variation ID: 360437). Advanced modeling of protein sequence and biophysical properties (such as structural, functional, and spatial information, amino acid conservation, physicochemical variation, residue mobility, and thermodynamic stability) performed at Invitae indicates that this missense variant is expected to disrupt DDC protein function with a positive predictive value of 80%. Experimental studies have shown that this missense change affects DDC function (PMID: 29356298). This variant disrupts the p.Arg160 amino acid residue in DDC. Other variant(s) that disrupt this residue have been observed in individuals with DDC-related conditions (PMID: 31975548), which suggests that this may be a clinically significant amino acid residue. For these reasons, this variant has been classified as Pathogenic.

Literature cited by the submitters: PubMed 23430870 (cited by Labcorp Genetics (formerly Invitae), Labcorp); PubMed 29356298 (cited by Labcorp Genetics (formerly Invitae), Labcorp); PubMed 31975548 (cited by Labcorp Genetics (formerly Invitae), Labcorp).

NM_001082971.2(DDC):c.478C>T (p.Arg160Trp)

Gene: DDC (dopa decarboxylase; minus strand). Cytogenetic location: 7p12.1.
Variant type: single nucleotide variant.
Coding change: c.478C>T on transcript NM_001082971.2 (MANE Select); coding-DNA position 478, C replaced by T.
Protein change: p.Arg160Trp; replaces arginine 160 with tryptophan.
Molecular consequence: missense variant. On other transcripts: intron variant (1).
Genome position (GRCh38, 1-based): chr7:50,529,300, G>A on the plus strand (C>T on the coding strand, the complement: DDC is on the minus strand). VCF-style: chr7-50529300-G-A. GRCh37 (hg19) VCF-style: chr7-50596998-G-A.
Other names: c.478C>T, p.Arg160Trp (NM_000790.4, NM_001242887.2, NM_001242890.2); c.364C>T, p.Arg122Trp (NM_001242886.2); c.244C>T, p.Arg82Trp (NM_001242888.2); c.435+8560C>T (NM_001242889.2); short protein forms R160W, R122W, R82W.
Identifiers: ClinVar variation 360437 (VCV000360437.13), dbSNP rs886062374, ClinGen allele CA10626215.